The following is an entry in ClinVar:

ClinVar aggregate classification (germline): Likely benign (1 of 4 stars; one submission).

Conditions:
ADGRV1-related disorder. Also called: ADGRV1-related condition; ADGRV1-related disorders.

Submission:

PreventionGenetics, part of Exact Sciences
Classification: Likely benign for ADGRV1-related condition. Last evaluated: 2025-03-19. Review status: criteria provided, single submitter. Criteria: ACMG Guidelines, 2015. Collection method: clinical testing. Allele origin: germline.
Comment: This variant is classified as likely benign based on ACMG/AMP sequence variant interpretation guidelines (Richards et al. 2015 PMID: 25741868, with internal and published modifications).

NM_032119.4(ADGRV1):c.6906C>A (p.Thr2302=)

Gene: ADGRV1 (adhesion G protein-coupled receptor V1; plus strand). Cytogenetic location: 5q14.3.
Variant type: single nucleotide variant.
Coding change: c.6906C>A on transcript NM_032119.4 (MANE Select); coding-DNA position 6906, C replaced by A.
Protein change: p.Thr2302=; no amino-acid change (threonine 2302 retained).
Molecular consequence: synonymous variant.
Genome position (GRCh38, 1-based): chr5:90,690,996, C>A. VCF-style: chr5-90690996-C-A. GRCh37 (hg19) VCF-style: chr5-89986813-C-A.
Identifiers: ClinVar variation 4987997 (VCV004987997.1).
Genomic context (GRCh38, chr5:90,690,996, plus strand): 5'-TGGCGACCTGCGAGTTGTCTCAGGTAATGTGACCTTTGCCCCTGGGGAAACCATTCAAAC[C>A]TTGTTGTTAGAGGTCCTGGCTGACGACGTTCCGGAGATTGAAGAGGTGAGAGGACTGGCT-3'
Protein context (NP_115495.3, residues 2292-2312): VTFAPGETIQ[Thr2302=]LLLEVLADDV